The following is an entry in ClinVar:

NM_002067.5(GNA11):c.345G>C (p.Glu115Asp)

Gene: GNA11 (G protein subunit alpha 11; plus strand). Cytogenetic location: 19p13.3.
Variant type: single nucleotide variant.
Coding change: c.345G>C on transcript NM_002067.5 (MANE Select); coding-DNA position 345, G replaced by C.
Protein change: p.Glu115Asp; replaces glutamic acid 115 with aspartic acid.
Molecular consequence: missense variant.
Genome position (GRCh38, 1-based): chr19:3,113,353, G>C. VCF-style: chr19-3113353-G-C. GRCh37 (hg19) VCF-style: chr19-3113351-G-C.
Other names: short protein forms E115D.
Identifiers: ClinVar variation 1984581 (VCV001984581.4), dbSNP rs1197262629, ClinGen allele CA403306070.

ClinVar aggregate classification (germline): Uncertain significance (1 of 4 stars; one submission).

gnomAD v4.1: 1 of 1,613,464 alleles (0.000062%); highest among the groups gnomAD compares: East Asian, 0.0022%; no homozygotes.

Submission:

Labcorp Genetics (formerly Invitae), Labcorp
Classification: Uncertain significance. Last evaluated: 2022-05-19. Review status: criteria provided, single submitter. Criteria: Invitae Variant Classification Sherloc (09022015). Collection method: clinical testing. Allele origin: germline.
Comment: This variant has not been reported in the literature in individuals affected with GNA11-related conditions. This variant is present in population databases (no rsID available, gnomAD 0.006%). Algorithms developed to predict the effect of missense changes on protein structure and function output the following: SIFT: "Tolerated"; PolyPhen-2: "Benign"; Align-GVGD: "Class C0". The aspartic acid amino acid residue is found in multiple mammalian species, which suggests that this missense change does not adversely affect protein function. In summary, the available evidence is currently insufficient to determine the role of this variant in disease. Therefore, it has been classified as a Variant of Uncertain Significance. This sequence change replaces glutamic acid, which is acidic and polar, with aspartic acid, which is acidic and polar, at codon 115 of the GNA11 protein (p.Glu115Asp).